The following is an entry in ClinVar:

ClinVar aggregate classification (germline): Uncertain significance. Review status: criteria provided, multiple submitters, no conflicts (2 of 4 stars). 2 submissions from 2 submitters: Uncertain significance (2). Last evaluated 2025-07-04.

Allele frequency attached by ClinVar (database versions not stated): gnomAD 0.00001; TOPMed below 0.00001; gnomAD exomes 0.00001.
gnomAD v4.1: 8 of 1,468,218 alleles (0.00054%); highest among the groups gnomAD compares: Admixed American, 0.0026%; no homozygotes.

Submissions (2):

Labcorp Genetics (formerly Invitae), Labcorp
Classification: Uncertain significance. Last evaluated: 2025-07-04. Review status: criteria provided, single submitter. Criteria: Invitae Variant Classification Sherloc (09022015). Collection method: clinical testing. Allele origin: germline.
Comment: This sequence change replaces methionine, which is neutral and non-polar, with valine, which is neutral and non-polar, at codon 370 of the ARHGEF1 protein (p.Met370Val). This variant is not present in population databases (gnomAD no frequency). This variant has not been reported in the literature in individuals affected with ARHGEF1-related conditions. ClinVar contains an entry for this variant (Variation ID: 3129000). An algorithm developed to predict the effect of missense changes on protein structure and function outputs the following: PolyPhen-2: "Benign". The valine amino acid residue is found in multiple mammalian species, which suggests that this missense change does not adversely affect protein function. In summary, the available evidence is currently insufficient to determine the role of this variant in disease. Therefore, it has been classified as a Variant of Uncertain Significance.

Ambry Genetics
Classification: Uncertain significance. Last evaluated: 2023-09-21. Review status: criteria provided, single submitter. Criteria: Ambry Variant Classification Scheme 2023. Collection method: clinical testing. Allele origin: germline.

NM_004706.4(ARHGEF1):c.1063A>G (p.Met355Val)

Gene: ARHGEF1 (Rho guanine nucleotide exchange factor 1; plus strand). Cytogenetic location: 19q13.2.
Variant type: single nucleotide variant.
Coding change: c.1063A>G on transcript NM_004706.4 (MANE Select); coding-DNA position 1063, A replaced by G.
Protein change: p.Met355Val; replaces methionine 355 with valine.
Molecular consequence: missense variant. On other transcripts: non-coding transcript variant (2).
Genome position (GRCh38, 1-based): chr19:41,896,424, A>G. VCF-style: chr19-41896424-A-G. GRCh37 (hg19) VCF-style: chr19-42400497-A-G.
Other names: c.1063A>G, p.Met355Val (NM_001396000.1, NM_001396003.1, NM_001396006.1); c.964A>G, p.Met322Val (NM_001396002.1, NM_001396004.1, NM_198977.2); c.1108A>G, p.Met370Val (NM_199002.2); short protein forms M370V, M322V, M355V.
Identifiers: ClinVar variation 3129000 (VCV003129000.2), dbSNP rs781951564, ClinGen allele CA9466180.
Genomic context (GRCh38, chr19:41,896,424, plus strand): 5'-CTCCACCCCACAGGTGCTGACGCCCCCCTGGAGCTGGGGGACTCATCCCCGCAGGGCCCA[A>G]TGAGCCTGGAGTCCTTGGCGCCCCCAGAGAGTACCGACGAGGGGGCCGAAACCGAGAGGT-3'
Protein context (NP_004697.2, residues 345-365): ELGDSSPQGP[Met355Val]SLESLAPPES